The following is an entry in ClinVar:

NM_001164508.2(NEB):c.17200T>C (p.Trp5734Arg)

Gene: NEB (nebulin; minus strand). Cytogenetic location: 2q23.3.
Variant type: single nucleotide variant.
Coding change: c.17200T>C on transcript NM_001164508.2 (MANE Select); coding-DNA position 17200, T replaced by C.
Protein change: p.Trp5734Arg; replaces tryptophan 5734 with arginine.
Molecular consequence: missense variant.
Genome position (GRCh38, 1-based): chr2:151,570,311, A>G on the plus strand (T>C on the coding strand, the complement: NEB is on the minus strand). VCF-style: chr2-151570311-A-G. GRCh37 (hg19) VCF-style: chr2-152426825-A-G.
Other names: c.17200T>C, p.Trp5734Arg (NM_001164507.2, NM_001271208.2); c.12097T>C, p.Trp4033Arg (NM_004543.5); c.12097T>C (NM_004543.4); short protein forms W4033R, W5734R.
Identifiers: ClinVar variation 658158 (VCV000658158.12), dbSNP rs369065324, ClinGen allele CA1908262.

ClinVar aggregate classification (germline): Uncertain significance. Review status: criteria provided, multiple submitters, no conflicts (2 of 4 stars). 6 submissions from 6 submitters: Uncertain significance (5). 1 of the submissions does not count toward it. Last evaluated 2025-02-01.

Conditions:
NEB-related disorder. Also called: NEB-Related Disorders; NEB-related condition.
Nemaline myopathy 2 (NEM2). Also called: Nemaline myopathy 2, autosomal recessive. Identifiers: MedGen C1850569, MONDO:0009725, OMIM 256030.
Inborn genetic diseases. Identifiers: MedGen C0950123, MeSH D030342.

Allele frequency attached by ClinVar (database versions not stated): gnomAD 0.00001 and 0.00002; gnomAD exomes 0.00001; ExAC 0.00002; TOPMed 0.00002; ESP Exome Variant Server 0.00008.
gnomAD v4.1: 6 of 1,610,806 alleles (0.00037%); highest among the groups gnomAD compares: Non-Finnish European, 0.00051%; no homozygotes.

Submissions (6):

PreventionGenetics, part of Exact Sciences
Classification: Uncertain significance for NEB-related condition. Last evaluated: 2025-02-01. Review status: criteria provided, single submitter. Criteria: ACMG Guidelines, 2015. Collection method: clinical testing. Allele origin: germline.
Comment: The NEB c.17200T>C variant is predicted to result in the amino acid substitution p.Trp5734Arg. To our knowledge, this variant has not been reported in the literature. This variant is reported in 0.0027% of alleles in individuals of European (Non-Finnish) descent in gnomAD. At this time, the clinical significance of this variant is uncertain due to the absence of conclusive functional and genetic evidence.

GeneDx
Classification: Uncertain significance. Last evaluated: 2024-03-18. Review status: criteria provided, single submitter. Criteria: GeneDx Variant Classification Process June 2021. Collection method: clinical testing. Allele origin: germline. Affected: yes.
Comment: Not observed at significant frequency in large population cohorts (gnomAD); In silico analysis supports that this missense variant has a deleterious effect on protein structure/function; Has not been previously published as pathogenic or benign to our knowledge

Labcorp Genetics (formerly Invitae), Labcorp
Classification: Uncertain significance for Nemaline myopathy 2. Last evaluated: 2023-12-18. Review status: criteria provided, single submitter. Criteria: Invitae Variant Classification Sherloc (09022015). Collection method: clinical testing. Allele origin: germline.
Comment: This sequence change replaces tryptophan, which is neutral and slightly polar, with arginine, which is basic and polar, at codon 5734 of the NEB protein (p.Trp5734Arg). This variant is present in population databases (rs369065324, gnomAD 0.003%). This missense change has been observed in individual(s) with clinical features of NEB-related conditions (Invitae). ClinVar contains an entry for this variant (Variation ID: 658158). Experimental studies and prediction algorithms are not available or were not evaluated, and the functional significance of this variant is currently unknown. In summary, the available evidence is currently insufficient to determine the role of this variant in disease. Therefore, it has been classified as a Variant of Uncertain Significance.

Ambry Genetics
Classification: Uncertain significance for Inborn genetic diseases. Last evaluated: 2022-06-17. Review status: criteria provided, single submitter. Criteria: Ambry Variant Classification Scheme 2023. Collection method: clinical testing. Allele origin: germline.

Revvity Omics, Revvity
Classification: Uncertain significance. Last evaluated: 2020-02-10. Review status: criteria provided, single submitter. Criteria: ACMG Guidelines, 2015. Collection method: clinical testing. Allele origin: germline.

Natera, Inc.
Classification: Uncertain significance for Nemaline myopathy type 2. Last evaluated: 2020-09-16. Review status: no assertion criteria provided. Collection method: clinical testing. Allele origin: germline. Not counted in ClinVar's aggregate classification.